The following is an entry in ClinVar:

NM_018129.4(PNPO):c.356A>G (p.Lys119Arg)

Gene: PNPO (pyridoxamine 5'-phosphate oxidase; plus strand). Cytogenetic location: 17q21.32.
Variant type: single nucleotide variant.
Coding change: c.356A>G on transcript NM_018129.4 (MANE Select); coding-DNA position 356, A replaced by G.
Protein change: p.Lys119Arg; replaces lysine 119 with arginine.
Molecular consequence: missense variant.
Genome position (GRCh38, 1-based): chr17:47,944,708, A>G. VCF-style: chr17-47944708-A-G. GRCh37 (hg19) VCF-style: chr17-46022074-A-G.
Other names: short protein forms K119R.
Identifiers: ClinVar variation 1515999 (VCV001515999.8), dbSNP rs2144163109, ClinGen allele CA400057420.
Genomic context (GRCh38, chr17:47,944,708, plus strand): 5'-TGAAGGGCTTCGGGAAAGATGGCTTCCGCTTCTTCACTAACTTCGAGAGTCGAAAAGGAA[A>G]AGAGCTGGTGGGTGAAAAGAGCTAGTAATCTTTCCCAGGGCCTGCAGGGTTTGGCTCTTG-3'
Protein context (NP_060599.1, residues 109-129): FFTNFESRKG[Lys119Arg]ELDSNPFASL

ClinVar aggregate classification (germline): Uncertain significance (1 of 4 stars; one submission).

Conditions:
Pyridoxal phosphate-responsive seizures (PNPOD). Also called: EPILEPTIC ENCEPHALOPATHY, NEONATAL, PNPO-RELATED; SEIZURES, PYRIDOXINE-RESISTANT, PLP-SENSITIVE; Pyridoxamine 5-Prime-Phosphate Oxidase Deficiency; Pyridoxine-5'-phosphate oxidase deficiency; Pyridoxal 5'-Phosphate (PLP)-Dependent Epilepsy. Identifiers: Orphanet 79096, MedGen C1864723, MONDO:0012407, OMIM 610090. Disease mechanism: loss of function.

Submission:

Labcorp Genetics (formerly Invitae), Labcorp
Classification: Uncertain significance for Pyridoxal phosphate-responsive seizures. Last evaluated: 2022-06-20. Review status: criteria provided, single submitter. Criteria: Invitae Variant Classification Sherloc (09022015). Collection method: clinical testing. Allele origin: germline.
Comment: Algorithms developed to predict the effect of missense changes on protein structure and function output the following: SIFT: "Tolerated"; PolyPhen-2: "Benign"; Align-GVGD: "Class C0". The arginine amino acid residue is found in multiple mammalian species, which suggests that this missense change does not adversely affect protein function. This variant has not been reported in the literature in individuals affected with PNPO-related conditions. This variant is not present in population databases (gnomAD no frequency). This sequence change replaces lysine, which is basic and polar, with arginine, which is basic and polar, at codon 119 of the PNPO protein (p.Lys119Arg). In summary, the available evidence is currently insufficient to determine the role of this variant in disease. Therefore, it has been classified as a Variant of Uncertain Significance.